The following is an entry in ClinVar:

ClinVar aggregate classification (germline): Conflicting classifications of pathogenicity. Review status: criteria provided, conflicting classifications (1 of 4 stars). 9 submissions from 9 submitters: Uncertain significance (4); Likely benign (5). Last evaluated 2026-08-01.

Conditions:
Oto-palato-digital syndrome, type II (OPD2). Also called: Otopalatodigital Syndrome, Type II; FACIOPALATOOSSEOUS SYNDROME; OPD II SYNDROME; Otopalatodigital Syndrome Type 2 (FLNA-OPD2). Identifiers: Orphanet 669, Orphanet 90652, MedGen C1844696, MONDO:0010571, OMIM 304120.
Melnick-Needles syndrome (MNS). Also called: MELNICK-NEEDLES OSTEODYSPLASTY; OSTEODYSPLASTY OF MELNICK AND NEEDLES; Melnick-Needles Syndrome (FLNA-MNS). Identifiers: Orphanet 2484, MedGen C0025237, MONDO:0010650, OMIM 309350.
Frontometaphyseal dysplasia (FMD1). Identifiers: Orphanet 1826, MedGen C0265293, MONDO:0015942.
Heterotopia, periventricular, X-linked dominant (PVNH1). Also called: X-linked periventricular heterotopia; PERIVENTRICULAR NODULAR HETEROTOPIA 1; PERIVENTRICULAR NODULAR HETEROTOPIA 4; HETEROTOPIA, PERIVENTRICULAR, 1. Identifiers: Orphanet 2149, Orphanet 82004, MedGen C1848213, MONDO:0010233, OMIM 300049.
FLNA-related disorder.
Familial thoracic aortic aneurysm and aortic dissection (TAAD). Also called: Thoracic aortic aneurysms and dissections. Identifiers: Orphanet 91387, MedGen C4707243, MONDO:0019625.

Allele frequency attached by ClinVar (database versions not stated): gnomAD exomes 0.00004 and 0.00008; gnomAD 0.00005 and 0.00006; ExAC 0.00008; TOPMed 0.00008; ESP Exome Variant Server 0.00010.
gnomAD v4.1: 60 of 1,210,332 alleles (0.005%); highest among the groups gnomAD compares: Admixed American, 0.015%; no homozygotes.

Submissions (9):

CeGaT Center for Human Genetics Tuebingen
Classification: Likely benign. Last evaluated: 2026-08-01. Review status: criteria provided, single submitter. Criteria: CeGaT Center For Human Genetics Tuebingen Variant Classification Criteria Version 2. Collection method: clinical testing. Allele origin: germline. Affected: yes. Observed: 1 variant allele.
Comment: FLNA: BP4, BS2

Labcorp Genetics (formerly Invitae), Labcorp
Classification: Likely benign for Oto-palato-digital syndrome, type II; Heterotopia, periventricular, X-linked dominant; Frontometaphyseal dysplasia; Melnick-Needles syndrome. Last evaluated: 2026-01-07. Review status: criteria provided, single submitter. Criteria: Invitae Variant Classification Sherloc (09022015). Collection method: clinical testing. Allele origin: germline.

PreventionGenetics, part of Exact Sciences
Classification: Uncertain significance for FLNA-related condition. Last evaluated: 2025-06-12. Review status: criteria provided, single submitter. Criteria: ACMG Guidelines, 2015. Collection method: clinical testing. Allele origin: germline.
Comment: The FLNA c.5342A>G variant is predicted to result in the amino acid substitution p.Asn1781Ser. To our knowledge, this variant has not been reported in the literature. This variant is reported in 0.014% of alleles in individuals of Latino descent in gnomAD, including 4 hemizygotes. Although we suspect that this variant may be benign, at this time, the clinical significance of this variant is uncertain due to the absence of conclusive functional and genetic evidence.

Blueprint Genetics
Classification: Likely benign. Last evaluated: 2024-10-30. Review status: criteria provided, single submitter. Criteria: ACMG Guidelines, 2015. Collection method: clinical testing. Allele origin: germline.

Women's Health and Genetics/Laboratory Corporation of America, LabCorp
Classification: Likely benign. Last evaluated: 2024-02-05. Review status: criteria provided, single submitter. Criteria: LabCorp Variant Classification Summary - May 2015. Collection method: clinical testing. Allele origin: germline.
Comment: Variant summary: FLNA c.5342A>G (p.Asn1781Ser) results in a conservative amino acid change in the encoded protein sequence. Four of five in-silico tools predict a benign effect of the variant on protein function. The variant allele was found at a frequency of 5e-05 in 1210332 control chromosomes (gnomAD). The observed variant frequency is approximately 158 fold of the estimated maximal expected allele frequency for a pathogenic variant in FLNA causing Periventricular Nodular Heterotopia phenotype (3.1e-07), strongly suggesting that the variant is benign. c.5342A>G has been reported in the literature in at-least one individual affected with Epilepsy, however, authors classified this variant as unlikely to be pathogenic (example: DiFrancesco_2019). This report does not provide unequivocal conclusions about association of the variant with Periventricular Nodular Heterotopia. To our knowledge, no experimental evidence demonstrating an impact on protein function has been reported. The following publication has been ascertained in the context of this evaluation (PMID: 30986657). ClinVar contains an entry for this variant (Variation ID: 213477). Based on the evidence outlined above, the variant was classified as likely benign.

Mayo Clinic Laboratories, Mayo Clinic
Classification: Uncertain significance. Last evaluated: 2023-10-23. Review status: criteria provided, single submitter. Criteria: ACMG Guidelines, 2015. Collection method: clinical testing. Allele origin: germline. Observed: 1 variant allele.
Comment: BS2

GeneDx
Classification: Likely benign. Last evaluated: 2021-02-08. Review status: criteria provided, single submitter. Criteria: GeneDx Variant Classification Process June 2021. Collection method: clinical testing. Allele origin: germline. Affected: yes.

Revvity Omics, Revvity
Classification: Uncertain significance. Last evaluated: 2020-10-20. Review status: criteria provided, single submitter. Criteria: ACMG Guidelines, 2015. Collection method: clinical testing. Allele origin: germline.

Ambry Genetics
Classification: Uncertain significance for Familial thoracic aortic aneurysm and aortic dissection. Last evaluated: 2017-05-25. Review status: criteria provided, single submitter. Criteria: Ambry Variant Classification Scheme 2023. Collection method: clinical testing. Allele origin: germline.
Comment: The p.N1773S variant (also known as c.5318A>G), located in coding exon 31 of the FLNA gene, results from an A to G substitution at nucleotide position 5318. The asparagine at codon 1773 is replaced by serine, an amino acid with highly similar properties. This amino acid position is not well conserved in available vertebrate species. In addition, this alteration is predicted to be tolerated by in silico analysis. Since supporting evidence is limited at this time, the clinical significance of this alteration remains unclear.

Literature cited by the submitters: PubMed 30986657 (cited by Women's Health and Genetics/Laboratory Corporation of America, LabCorp).

NM_001110556.2(FLNA):c.5342A>G (p.Asn1781Ser)

Gene: FLNA (filamin A; minus strand). Cytogenetic location: Xq28.
Variant type: single nucleotide variant.
Coding change: c.5342A>G on transcript NM_001110556.2 (MANE Select); coding-DNA position 5342, A replaced by G.
Protein change: p.Asn1781Ser; replaces asparagine 1781 with serine.
Molecular consequence: missense variant.
Genome position (GRCh38, 1-based): chrX:154,354,455, T>C on the plus strand (A>G on the coding strand, the complement: FLNA is on the minus strand). VCF-style: chrX-154354455-T-C. GRCh37 (hg19) VCF-style: chrX-153582823-T-C.
Other names: p.N1773S:AAT>AGT; p.Asn1773Ser; c.5342A>G (NM_001110556.1); c.5318A>G, p.Asn1773Ser (NM_001456.4); short protein forms N1773S, N1781S.
Identifiers: ClinVar variation 213477 (VCV000213477.27), dbSNP rs373089783, ClinGen allele CA320672.
Genomic context (GRCh38, chrX:154,354,455, plus strand): 5'-TTCTTGATGGTGAAGGGGATGACAAGGTCAAAGGGCCTCAGGCTGGTCACATCCAGCCCA[T>C]TGACACCCACCAGGGGCCTCTCCGGGGCCTGCAGTGGAGACACAGGGCATGGGTGAGGGA-3'
Protein context (NP_001104026.1, residues 1771-1791): WAPERPLVGV[Asn1781Ser]GLDVTSLRPF